The following is an entry in ClinVar:

ClinVar aggregate classification (germline): Pathogenic (1 of 4 stars; one submission).

Submission:

Labcorp Genetics (formerly Invitae), Labcorp
Classification: Pathogenic. Last evaluated: 2022-11-01. Review status: criteria provided, single submitter. Criteria: Invitae Variant Classification Sherloc (09022015). Collection method: clinical testing. Allele origin: germline.
Comment: This variant is not present in population databases (gnomAD no frequency). For these reasons, this variant has been classified as Pathogenic. Retrotransposon insertions including LINE1 (L1), Alu, and SVA (SINE-VNTR-Alu) have been reported to be disease-causing through disruption of either a coding region or splice site (PMID: 19763152, 20307669, 22406018) and loss-of-function variants in DDR2 are known to be pathogenic (PMID: 11375938, 29884795). Algorithms developed to predict the effect of sequence changes on RNA splicing suggest that this variant may disrupt the consensus splice site. This variant has not been reported in the literature in individuals affected with DDR2-related conditions. This sequence change inserts a large fragment of DNA, likely a transposable element, in exon 15 of the DDR2 gene (c.1869_1870ins?), causing a frameshift at codon 624 (p.Lys624fs). The exact size and sequence of the insertion cannot be determined by the current assay. However, the insertion is expected to result in an absent or disrupted protein product.

Literature cited by the submitters: PubMed 19763152; PubMed 20307669; PubMed 22406018; PubMed 11375938; PubMed 29884795.

NC_000001.11:g.162775664_162775665insTTTTTTTTTTTTTTTTTTTTNNNNNNNNNNACCTCATGATCCACCCGCCTCGGCCTCCCAAAGTGCTGGGATTACAGGCGTGAGCCACCGCGCCCGGCCGGAATGATTTTCTT

Gene: DDR2 (discoidin domain receptor tyrosine kinase 2; plus strand). Cytogenetic location: 1q23.3.
Variant type: Insertion.
Genome position: GRCh38: chr1:162,775,664-162,775,665. GRCh37 (hg19): chr1:162,745,454-162,745,455.
Identifiers: ClinVar variation 2002559 (VCV002002559.5), dbSNP rs2525010444.